The following is an entry in ClinVar:

NM_206933.4(USH2A):c.14892C>A (p.Tyr4964Ter)

Gene: USH2A (usherin; minus strand). Cytogenetic location: 1q41.
Variant type: single nucleotide variant.
Coding change: c.14892C>A on transcript NM_206933.4 (MANE Select); coding-DNA position 14892, C replaced by A.
Protein change: p.Tyr4964Ter; replaces tyrosine 4964 with a stop codon.
Molecular consequence: nonsense.
Genome position (GRCh38, 1-based): chr1:215,640,634, G>T on the plus strand (C>A on the coding strand, the complement: USH2A is on the minus strand). VCF-style: chr1-215640634-G-T. GRCh37 (hg19) VCF-style: chr1-215813976-G-T.
Other names: short protein forms Y4964*.
Identifiers: ClinVar variation 2135377 (VCV002135377.4), dbSNP rs149877542, ClinGen allele CA344827872.

ClinVar aggregate classification (germline): Pathogenic (1 of 4 stars; one submission).

gnomAD v4.1: 2 of 1,613,740 alleles (0.00012%); highest among the groups gnomAD compares: East Asian, 0.0022%; no homozygotes.

Submission:

Labcorp Genetics (formerly Invitae), Labcorp
Classification: Pathogenic. Last evaluated: 2022-05-20. Review status: criteria provided, single submitter. Criteria: Invitae Variant Classification Sherloc (09022015). Collection method: clinical testing. Allele origin: germline.
Comment: This sequence change creates a premature translational stop signal (p.Tyr4964*) in the USH2A gene. It is expected to result in an absent or disrupted protein product. Loss-of-function variants in USH2A are known to be pathogenic (PMID: 10729113, 10909849, 20507924, 25649381). This variant is not present in population databases (gnomAD no frequency). This variant has not been reported in the literature in individuals affected with USH2A-related conditions. Algorithms developed to predict the effect of sequence changes on RNA splicing suggest that this variant may create or strengthen a splice site. For these reasons, this variant has been classified as Pathogenic.

Literature cited by the submitters: PubMed 10729113; PubMed 10909849; PubMed 20507924; PubMed 25649381.